The following is an entry in ClinVar:

ClinVar aggregate classification (germline): Uncertain significance (1 of 4 stars; one submission).

Conditions:
MHC class I deficiency. Identifiers: Orphanet 34592, MedGen C6024714, MONDO:0011476.

Allele frequency attached by ClinVar (database versions not stated): gnomAD exomes 0.00004; TOPMed 0.00004; gnomAD 0.00007; ExAC 0.00008; ESP Exome Variant Server 0.00015.

Submission:

Labcorp Genetics (formerly Invitae), Labcorp
Classification: Uncertain significance for MHC class I deficiency 1. Last evaluated: 2022-05-18. Review status: criteria provided, single submitter. Criteria: Invitae Variant Classification Sherloc (09022015). Collection method: clinical testing. Allele origin: germline.
Comment: This sequence change replaces arginine, which is basic and polar, with histidine, which is basic and polar, at codon 547 of the TAP1 protein (p.Arg547His). This variant is present in population databases (rs373556147, gnomAD 0.03%). This variant has not been reported in the literature in individuals affected with TAP1-related conditions. Algorithms developed to predict the effect of missense changes on protein structure and function output the following: SIFT: "Tolerated"; PolyPhen-2: "Benign"; Align-GVGD: "Class C0". The histidine amino acid residue is found in multiple mammalian species, which suggests that this missense change does not adversely affect protein function. In summary, the available evidence is currently insufficient to determine the role of this variant in disease. Therefore, it has been classified as a Variant of Uncertain Significance.

NM_000593.6(TAP1):c.1460G>A (p.Arg487His)

Gene: TAP1 (transporter 1, ATP binding cassette subfamily B member; minus strand). Cytogenetic location: 6p21.32.
Variant type: single nucleotide variant.
Coding change: c.1460G>A on transcript NM_000593.6 (MANE Select); coding-DNA position 1460, G replaced by A.
Protein change: p.Arg487His; replaces arginine 487 with histidine.
Molecular consequence: missense variant.
Genome position (GRCh38, 1-based): chr6:32,848,758, C>T on the plus strand (G>A on the coding strand, the complement: TAP1 is on the minus strand). VCF-style: chr6-32848758-C-T. GRCh37 (hg19) VCF-style: chr6-32816535-C-T.
Other names: c.857G>A, p.Arg286His (NM_001292022.2); short protein forms R286H, R487H.
Identifiers: ClinVar variation 1906397 (VCV001906397.2), dbSNP rs373556147, ClinGen allele CA3746773.